The following is an entry in ClinVar:

ClinVar aggregate classification (germline): Uncertain significance (1 of 4 stars; one submission).

Conditions:
Joubert syndrome 23 (JBTS23). Identifiers: Orphanet 475, MedGen C4084822, MONDO:0014664, OMIM 616490.
Short-rib thoracic dysplasia 14 with polydactyly (SRTD14). Identifiers: Orphanet 397715, MedGen C4225286, MONDO:0014688, OMIM 616546.

Submission:

Labcorp Genetics (formerly Invitae), Labcorp
Classification: Uncertain significance for Joubert syndrome 23; Short-rib thoracic dysplasia 14 with polydactyly. Last evaluated: 2025-05-16. Review status: criteria provided, single submitter. Criteria: Invitae Variant Classification Sherloc (09022015). Collection method: clinical testing. Allele origin: germline.
Comment: This sequence change replaces serine, which is neutral and polar, with asparagine, which is neutral and polar, at codon 880 of the KIAA0586 protein (p.Ser880Asn). This variant is not present in population databases (gnomAD no frequency). This variant has not been reported in the literature in individuals affected with KIAA0586-related conditions. ClinVar contains an entry for this variant (Variation ID: 1714217). Invitae Evidence Modeling of protein sequence and biophysical properties (such as structural, functional, and spatial information, amino acid conservation, physicochemical variation, residue mobility, and thermodynamic stability) indicates that this missense variant is not expected to disrupt KIAA0586 protein function with a negative predictive value of 80%. In summary, the available evidence is currently insufficient to determine the role of this variant in disease. Therefore, it has been classified as a Variant of Uncertain Significance.

NM_001329943.3(KIAA0586):c.2480G>A (p.Ser827Asn)

Gene: KIAA0586 (KIAA0586; plus strand). Cytogenetic location: 14q23.1.
Variant type: single nucleotide variant.
Coding change: c.2480G>A on transcript NM_001329943.3 (MANE Select); coding-DNA position 2480, G replaced by A.
Protein change: p.Ser827Asn; replaces serine 827 with asparagine.
Molecular consequence: missense variant.
Genome position (GRCh38, 1-based): chr14:58,470,650, G>A. VCF-style: chr14-58470650-G-A. GRCh37 (hg19) VCF-style: chr14-58937368-G-A.
Other names: c.2639G>A, p.Ser880Asn (NM_001244189.2); c.2435G>A, p.Ser812Asn (NM_001244190.2); c.2225G>A, p.Ser742Asn (NM_001244191.2, NM_001329945.2, NM_001364700.1 and 1 more transcripts); c.2348G>A, p.Ser783Asn (NM_001244192.2); c.2060G>A, p.Ser687Asn (NM_001244193.2); c.2480G>A, p.Ser827Asn (NM_001329944.2, NM_001329946.2, NM_001329947.2); c.2252G>A, p.Ser751Asn (NM_014749.5); short protein forms S687N, S742N, S751N, S783N, S812N, S827N, S880N.
Identifiers: ClinVar variation 1714217 (VCV001714217.6), dbSNP rs761659683, ClinGen allele CA389876195.